The following is an entry in ClinVar:

ClinVar aggregate classification (germline): Conflicting classifications of pathogenicity. Review status: criteria provided, conflicting classifications (1 of 4 stars). 8 submissions from 8 submitters: Uncertain significance (3); Benign (1); Likely benign (4). Last evaluated 2026-09-04.

Conditions:
TSC1-related disorder. Also called: TSC1-related condition.
Hereditary cancer-predisposing syndrome. Also called: Neoplastic Syndromes, Hereditary; Tumor predisposition; Hereditary Cancer Syndrome; Hereditary neoplastic syndrome. Identifiers: Orphanet 140162, MedGen C0027672, MeSH D009386, MONDO:0015356.
Tuberous sclerosis syndrome (TSC). Also called: Tuberous Sclerosis Complex; Tuberous sclerosis. Identifiers: Orphanet 805, MedGen C0041341, MONDO:0001734.
Tuberous sclerosis 1 (TSC1). Identifiers: Orphanet 805, MedGen C1854465, MONDO:0008612, OMIM 191100.

Allele frequency attached by ClinVar (database versions not stated): ExAC 0.00001; gnomAD 0.00001; gnomAD exomes 0.00001 and 0.00002; TOPMed 0.00001.
gnomAD v4.1: 12 of 1,613,770 alleles (0.00074%); highest among the groups gnomAD compares: Non-Finnish European, 0.001%; no homozygotes.

Submissions (8):

PreventionGenetics, part of Exact Sciences
Classification: Likely benign for TSC1-related condition. Last evaluated: 2026-09-04. Review status: criteria provided, single submitter. Criteria: ACMG Guidelines, 2015. Collection method: clinical testing. Allele origin: germline.
Comment: This variant is classified as likely benign based on ACMG/AMP sequence variant interpretation guidelines (Richards et al. 2015 PMID: 25741868, with internal and published modifications).

Labcorp Genetics (formerly Invitae), Labcorp
Classification: Benign for Tuberous sclerosis 1. Last evaluated: 2025-11-17. Review status: criteria provided, single submitter. Criteria: Invitae Variant Classification Sherloc (09022015). Collection method: clinical testing. Allele origin: germline.

Color Diagnostics, LLC DBA Color Health
Classification: Likely benign for Tuberous sclerosis syndrome. Last evaluated: 2025-07-11. Review status: criteria provided, single submitter. Criteria: ACMG Guidelines, 2015. Collection method: clinical testing. Allele origin: germline.

All of Us Research Program, National Institutes of Health
Classification: Uncertain significance for Tuberous sclerosis syndrome. Last evaluated: 2024-05-09. Review status: criteria provided, single submitter. Criteria: ACMG Guidelines, 2015. Collection method: clinical testing. Allele origin: germline. Inheritance: Autosomal dominant inheritance. Observed: 5 variant alleles, 5 heterozygotes.
Comment: This missense variant replaces histidine with tyrosine at codon 1007 of the TSC1 protein. Computational prediction suggests that this variant may not impact protein structure and function (internally defined REVEL score threshold <= 0.5, PMID: 27666373). To our knowledge, functional studies have not been reported for this variant. This variant has not been reported in individuals affected with TSC1-related disorders in the literature. This variant has been identified in 4/248950 chromosomes in the general population by the Genome Aggregation Database (gnomAD). The available evidence is insufficient to determine the role of this variant in disease conclusively. Therefore, this variant is classified as a Variant of Uncertain Significance.

This study involves interpretation of variants in research participants for the purpose of population health screening. Participant phenotype was not available at the time of variant classification. Additional details can be found in publication PMID: 35346344, PMCID: PMC8962531

Ambry Genetics
Classification: Likely benign for Hereditary cancer-predisposing syndrome. Last evaluated: 2023-09-12. Review status: criteria provided, single submitter. Criteria: Ambry Variant Classification Scheme 2023. Collection method: clinical testing. Allele origin: germline.

Sema4
Classification: Uncertain significance for Hereditary cancer-predisposing syndrome. Last evaluated: 2022-01-06. Review status: criteria provided, single submitter. Criteria: Sema4 Curation Guidelines. Collection method: curation. Allele origin: germline.
Comment: The TSC1 c.3019C>T (p.H1007Y) variant has not been reported in the literature to our knowledge. It was observed in 4/112554 chromosomes of the Non-Finnish European subpopulation in the large and broad cohorts of the Genome Aggregation Database (PMID: 32461654). The variant has been reported in ClinVar (Variation ID 411246). Functional studies have not been performed, and in silico predictions of the variant's effect on protein function are inconclusive. The evidence is insufficient to meet ACMG/AMP criteria for classifying the variant as benign or pathogenic. Thus, the clinical significance of this variant is currently uncertain.

Genome-Nilou Lab
Classification: Likely benign for Tuberous sclerosis 1. Last evaluated: 2021-11-07. Review status: criteria provided, single submitter. Criteria: ACMG Guidelines, 2015. Collection method: clinical testing. Allele origin: germline. Affected: no.

Revvity Omics, Revvity
Classification: Uncertain significance. Last evaluated: 2020-07-08. Review status: criteria provided, single submitter. Criteria: ACMG Guidelines, 2015. Collection method: clinical testing. Allele origin: germline.

Literature cited by the submitters: PubMed 31911633 (cited by Ambry Genetics).

NM_000368.5(TSC1):c.3019C>T (p.His1007Tyr)

Gene: TSC1 (TSC complex subunit 1; minus strand). Cytogenetic location: 9q34.13.
Variant type: single nucleotide variant.
Coding change: c.3019C>T on transcript NM_000368.5 (MANE Select); coding-DNA position 3019, C replaced by T.
Protein change: p.His1007Tyr; replaces histidine 1007 with tyrosine.
Molecular consequence: missense variant.
Genome position (GRCh38, 1-based): chr9:132,896,711, G>A on the plus strand (C>T on the coding strand, the complement: TSC1 is on the minus strand). VCF-style: chr9-132896711-G-A. GRCh37 (hg19) VCF-style: chr9-135772098-G-A.
Other names: c.3016C>T, p.His1006Tyr (NM_001162426.2); c.2866C>T, p.His956Tyr (NM_001162427.2); c.2656C>T, p.His886Tyr (NM_001362177.2); short protein forms H1007Y, H1006Y, H956Y, H886Y.
Identifiers: ClinVar variation 411246 (VCV000411246.25), dbSNP rs764738792, ClinGen allele CA035635.